The following is an entry in ClinVar:

ClinVar aggregate classification (germline): Pathogenic (1 of 4 stars; one submission).

Conditions:
Severe combined immunodeficiency due to CORO1A deficiency. Also called: IMMUNODEFICIENCY 8 WITH LYMPHOPROLIFERATION; Immunodeficiency 8. Identifiers: Orphanet 228003, MedGen C3809383, MONDO:0014168, OMIM 615401.

Submission:

Labcorp Genetics (formerly Invitae), Labcorp
Classification: Pathogenic for Severe combined immunodeficiency due to CORO1A deficiency. Last evaluated: 2022-03-13. Review status: criteria provided, single submitter. Criteria: Invitae Variant Classification Sherloc (09022015). Collection method: clinical testing. Allele origin: germline.
Comment: For these reasons, this variant has been classified as Pathogenic. Algorithms developed to predict the effect of sequence changes on RNA splicing suggest that this variant may create or strengthen a splice site. This variant has not been reported in the literature in individuals affected with CORO1A-related conditions. This variant is not present in population databases (gnomAD no frequency). This sequence change creates a premature translational stop signal (p.Glu173*) in the CORO1A gene. It is expected to result in an absent or disrupted protein product. Loss-of-function variants in CORO1A are known to be pathogenic (PMID: 18836449, 25073507).

Literature cited by the submitters: PubMed 18836449; PubMed 25073507.

NM_007074.4(CORO1A):c.517G>T (p.Glu173Ter)

Gene: CORO1A (coronin 1A; plus strand). Cytogenetic location: 16p11.2.
Variant type: single nucleotide variant.
Coding change: c.517G>T on transcript NM_007074.4 (MANE Select); coding-DNA position 517, G replaced by T.
Protein change: p.Glu173Ter; replaces glutamic acid 173 with a stop codon.
Molecular consequence: nonsense.
Genome position (GRCh38, 1-based): chr16:30,187,104, G>T. VCF-style: chr16-30187104-G-T. GRCh37 (hg19) VCF-style: chr16-30198425-G-T.
Other names: c.517G>T, p.Glu173Ter (NM_001193333.3); short protein forms E173*.
Identifiers: ClinVar variation 2104536 (VCV002104536.4), dbSNP rs2543755846, ClinGen allele CA395494218.